The following is an entry in ClinVar:

NM_020822.3(KCNT1):c.3196G>A (p.Val1066Met)

Gene: KCNT1 (potassium sodium-activated channel subfamily T member 1; plus strand). Cytogenetic location: 9q34.3.
Variant type: single nucleotide variant.
Coding change: c.3196G>A on transcript NM_020822.3 (MANE Select); coding-DNA position 3196, G replaced by A.
Protein change: p.Val1066Met; replaces valine 1066 with methionine.
Molecular consequence: missense variant.
Genome position (GRCh38, 1-based): chr9:135,786,215, G>A. VCF-style: chr9-135786215-G-A. GRCh37 (hg19) VCF-style: chr9-138678061-G-A.
Other names: c.3061G>A, p.Val1021Met (NM_001272003.2); short protein forms V1066M, V1021M.
Identifiers: ClinVar variation 582792 (VCV000582792.40), dbSNP rs553389226, ClinGen allele CA5327746.

ClinVar aggregate classification (germline): Conflicting classifications of pathogenicity. Review status: criteria provided, conflicting classifications (1 of 4 stars). 6 submissions from 6 submitters: Uncertain significance (1); Likely benign (5). Last evaluated 2025-11-01.

Conditions:
Inborn genetic diseases. Identifiers: MedGen C0950123, MeSH D030342.
Developmental and epileptic encephalopathy, 14 (DEE14). Also called: Early infantile epileptic encephalopathy 14. Identifiers: Orphanet 293181, MedGen C3554195, MONDO:0013989, OMIM 614959.
Autosomal dominant nocturnal frontal lobe epilepsy 5. Also called: Epilepsy, nocturnal frontal lobe, 5; KCNT1-Related Epilepsy; CILIARY DYSKINESIA, PRIMARY, 28, WITHOUT SITUS INVERSUS; CILIARY DYSKINESIA, PRIMARY, 28, WITH SITUS INVERSUS. Identifiers: Orphanet 98784, MedGen C3554306, MONDO:0014002, OMIM 615005.

Allele frequency attached by ClinVar (database versions not stated): gnomAD 0.00002 and 0.00003; gnomAD exomes 0.00002 and 0.00003; ExAC 0.00003; TOPMed 0.00003; 1000 Genomes Project 30x 0.00016; 1000 Genomes Project 0.00020.
gnomAD v4.1: 28 of 1,611,096 alleles (0.0017%); highest among the groups gnomAD compares: Middle Eastern, 0.017%; no homozygotes.

Submissions (6):

CeGaT Center for Human Genetics Tuebingen
Classification: Likely benign. Last evaluated: 2025-11-01. Review status: criteria provided, single submitter. Criteria: CeGaT Center For Human Genetics Tuebingen Variant Classification Criteria Version 2. Collection method: clinical testing. Allele origin: germline. Affected: yes. Observed: 4 variant alleles.
Comment: KCNT1: BP4, BS2

Labcorp Genetics (formerly Invitae), Labcorp
Classification: Likely benign for Autosomal dominant nocturnal frontal lobe epilepsy 5; Developmental and epileptic encephalopathy, 14. Last evaluated: 2025-04-22. Review status: criteria provided, single submitter. Criteria: Invitae Variant Classification Sherloc (09022015). Collection method: clinical testing. Allele origin: germline.

Ambry Genetics
Classification: Likely benign for Inborn genetic diseases. Last evaluated: 2024-11-24. Review status: criteria provided, single submitter. Criteria: Ambry Variant Classification Scheme 2023. Collection method: clinical testing. Allele origin: germline.

Revvity Omics, Revvity
Classification: Uncertain significance. Last evaluated: 2023-10-30. Review status: criteria provided, single submitter. Criteria: ACMG Guidelines, 2015. Collection method: clinical testing. Allele origin: germline.

Blueprint Genetics
Classification: Likely benign. Last evaluated: 2023-08-10. Review status: criteria provided, single submitter. Criteria: ACMG Guidelines, 2015. Collection method: clinical testing. Allele origin: germline.

GeneDx
Classification: Likely benign. Last evaluated: 2018-05-02. Review status: criteria provided, single submitter. Criteria: GeneDx Variant Classification (06012015). Collection method: clinical testing. Allele origin: germline. Affected: yes.
Comment: This variant is considered likely benign or benign based on one or more of the following criteria: it is a conservative change, it occurs at a poorly conserved position in the protein, it is predicted to be benign by multiple in silico algorithms, and/or has population frequency not consistent with disease.